The following is an entry in ClinVar:

ClinVar aggregate classification (germline): Uncertain significance (1 of 4 stars; one submission).

Allele frequency attached by ClinVar (database versions not stated): ExAC 0.00001; gnomAD exomes 0.00001; TOPMed 0.00001.
gnomAD v4.1: 9 of 1,613,990 alleles (0.00056%); highest among the groups gnomAD compares: East Asian, 0.0022%; no homozygotes.

Submission:

Labcorp Genetics (formerly Invitae), Labcorp
Classification: Uncertain significance. Last evaluated: 2022-11-22. Review status: criteria provided, single submitter. Criteria: Invitae Variant Classification Sherloc (09022015). Collection method: clinical testing. Allele origin: germline.
Comment: In summary, the available evidence is currently insufficient to determine the role of this variant in disease. Therefore, it has been classified as a Variant of Uncertain Significance. Algorithms developed to predict the effect of missense changes on protein structure and function are either unavailable or do not agree on the potential impact of this missense change (SIFT: "Deleterious"; PolyPhen-2: "Probably Damaging"; Align-GVGD: "Class C0"). ClinVar contains an entry for this variant (Variation ID: 1366017). This variant has not been reported in the literature in individuals affected with GPR179-related conditions. This variant is present in population databases (rs761172454, gnomAD 0.006%). This sequence change replaces arginine, which is basic and polar, with histidine, which is basic and polar, at codon 444 of the GPR179 protein (p.Arg444His).

NM_001004334.4(GPR179):c.1331G>A (p.Arg444His)

Gene: GPR179 (G protein-coupled receptor 179; minus strand). Cytogenetic location: 17q12.
Variant type: single nucleotide variant.
Coding change: c.1331G>A on transcript NM_001004334.4 (MANE Select); coding-DNA position 1331, G replaced by A.
Protein change: p.Arg444His; replaces arginine 444 with histidine.
Molecular consequence: missense variant.
Genome position (GRCh38, 1-based): chr17:38,335,666, C>T on the plus strand (G>A on the coding strand, the complement: GPR179 is on the minus strand). VCF-style: chr17-38335666-C-T. GRCh37 (hg19) VCF-style: chr17-36491549-C-T.
Other names: short protein forms R444H.
Identifiers: ClinVar variation 1366017 (VCV001366017.8), dbSNP rs761172454, ClinGen allele CA290108893.